The following is an entry in ClinVar:

ClinVar aggregate classification (germline): Benign/Likely benign. Review status: criteria provided, multiple submitters, no conflicts (2 of 4 stars). 4 submissions from 4 submitters: Benign (2); Likely benign (2). Last evaluated 2020-10-04.

Conditions:
Bartsocas-Papas syndrome 1. Also called: MULTIPLE PTERYGIUM SYNDROME, ASLAN TYPE; Bartsocas-Papas syndrome; PTERYGIUM, POPLITEAL, LETHAL TYPE. Identifiers: Orphanet 1234, MedGen C1849718, MONDO:0009901, OMIM 263650.

Allele frequency attached by ClinVar (database versions not stated): gnomAD exomes 0.00090 and 0.00241; ExAC 0.00281; 1000 Genomes Project 0.00659; 1000 Genomes Project 30x 0.00703; gnomAD 0.00962 and 0.01056; TOPMed 0.01127; ESP Exome Variant Server 0.01130.
gnomAD v4.1: 2,827 of 1,613,384 alleles (0.18%); highest among the groups gnomAD compares: African/African-American, 3.4%; 44 homozygotes.

Submissions (5):

GeneDx
Classification: Likely benign. Last evaluated: 2020-10-04. Review status: criteria provided, single submitter. Criteria: GeneDx Variant Classification Process June 2021. Collection method: clinical testing. Allele origin: germline. Affected: yes.

Labcorp Genetics (formerly Invitae), Labcorp
Classification: Benign. Last evaluated: 2019-12-31. Review status: criteria provided, single submitter. Criteria: Invitae Variant Classification Sherloc (09022015). Collection method: clinical testing. Allele origin: germline.

Illumina Laboratory Services, Illumina
Classification: Benign for Bartsocas-Papas syndrome 1. Last evaluated: 2018-01-13. Review status: criteria provided, single submitter. Criteria: ICSL Variant Classification Criteria 13 December 2019. Collection method: clinical testing. Allele origin: germline.
Comment: This variant was observed in the ICSL laboratory as part of a predisposition screen in an ostensibly healthy population. It had not been previously curated by ICSL or reported in the Human Gene Mutation Database (HGMD: prior to June 1st, 2018), and was therefore a candidate for classification through an automated scoring system. Utilizing variant allele frequency, disease prevalence and penetrance estimates, and inheritance mode, an automated score was calculated to assess if this variant is too frequent to cause the disease. Based on the score and internal cut-off values, a variant classified as benign is not then subjected to further curation. The score for this variant resulted in a classification of benign for this disease.

Breakthrough Genomics
Classification: Likely benign. Review status: criteria provided, single submitter. Criteria: ACMG Guidelines, 2015. Collection method: not provided. Allele origin: germline. Inheritance: Autosomal recessive inheritance. Affected: yes.

Dr. Peter K. Rogan Lab, Western University
No classification provided (evidence only). Condition: Gastric cancer. Review status: no classification provided. Collection method: in vitro. Allele origin: not applicable. Functional consequence: retained intron. Not counted in ClinVar's aggregate classification.

NM_020639.3(RIPK4):c.1119G>T (p.Gly373=)

Gene: RIPK4 (receptor interacting serine/threonine kinase 4; minus strand). Cytogenetic location: 21q22.3.
Variant type: single nucleotide variant.
Coding change: c.1119G>T on transcript NM_020639.3 (MANE Select); coding-DNA position 1119, G replaced by T.
Protein change: p.Gly373=; no amino-acid change (glycine 373 retained).
Molecular consequence: synonymous variant.
Genome position (GRCh38, 1-based): chr21:41,743,958, C>A on the plus strand (G>T on the coding strand, the complement: RIPK4 is on the minus strand). VCF-style: chr21-41743958-C-A. GRCh37 (hg19) VCF-style: chr21-43164118-C-A.
Other names: NC_000021.8:g.43164118C>A.
Identifiers: ClinVar variation 718327 (VCV000718327.12), dbSNP rs61744790, ClinGen allele CA10035399.
Genomic context (GRCh38, chr21:41,743,958, plus strand): 5'-CCGCTCAAAGGACAGCGACAGTGATCCTCTGGAAGAGAAGGCGGAGTCCACCGAGGACAC[C>A]CCCGAGAGCCTCTTCCCACTGCCGGACGATGGCAGCTTGGACTCAGAGGAGCTGCGGCTG-3'
Protein context (NP_065690.2, residues 363-383): PSSGSGKRLS[Gly373=]VSSVDSAFSS